The following is an entry in ClinVar:

ClinVar aggregate classification (germline): Uncertain significance. Review status: criteria provided, multiple submitters, no conflicts (2 of 4 stars). 2 submissions from 2 submitters: Uncertain significance (2). Last evaluated 2023-01-06.

Conditions:
Gorlin syndrome. Also called: Nevoid Basal Cell Carcinoma Syndrome; Basal cell nevus syndrome. Identifiers: Orphanet 377, MedGen C0004779, MONDO:0007187.
Hereditary cancer-predisposing syndrome. Also called: Hereditary neoplastic syndrome; Neoplastic Syndromes, Hereditary; Hereditary Cancer Syndrome; Tumor predisposition. Identifiers: Orphanet 140162, MedGen C0027672, MeSH D009386, MONDO:0015356.

gnomAD v4.1: 1 of 1,611,076 alleles (0.000062%); highest among the groups gnomAD compares: Non-Finnish European, 0.000085%; no homozygotes.

Submissions (2):

Ambry Genetics
Classification: Uncertain significance for Hereditary cancer-predisposing syndrome. Last evaluated: 2023-01-06. Review status: criteria provided, single submitter. Criteria: Ambry Variant Classification Scheme 2023. Collection method: clinical testing. Allele origin: germline.
Comment: The p.D301Y variant (also known as c.901G>T), located in coding exon 6 of the PTCH1 gene, results from a G to T substitution at nucleotide position 901. The aspartic acid at codon 301 is replaced by tyrosine, an amino acid with highly dissimilar properties. This amino acid position is highly conserved in available vertebrate species. In addition, this alteration is predicted to be deleterious by in silico analysis. Since supporting evidence is limited at this time, the clinical significance of this alteration remains unclear.

Labcorp Genetics (formerly Invitae), Labcorp
Classification: Uncertain significance for Gorlin syndrome. Last evaluated: 2021-11-18. Review status: criteria provided, single submitter. Criteria: Invitae Variant Classification Sherloc (09022015). Collection method: clinical testing. Allele origin: germline.
Comment: This sequence change replaces aspartic acid, which is acidic and polar, with tyrosine, which is neutral and polar, at codon 301 of the PTCH1 protein (p.Asp301Tyr). This variant is not present in population databases (gnomAD no frequency). This variant has not been reported in the literature in individuals affected with PTCH1-related conditions. Algorithms developed to predict the effect of missense changes on protein structure and function (SIFT, PolyPhen-2, Align-GVGD) all suggest that this variant is likely to be disruptive. In summary, the available evidence is currently insufficient to determine the role of this variant in disease. Therefore, it has been classified as a Variant of Uncertain Significance.

NM_000264.5(PTCH1):c.901G>T (p.Asp301Tyr)

Gene: PTCH1 (patched 1; minus strand). Cytogenetic location: 9q22.32.
Variant type: single nucleotide variant.
Coding change: c.901G>T on transcript NM_000264.5 (MANE Select); coding-DNA position 901, G replaced by T.
Protein change: p.Asp301Tyr; replaces aspartic acid 301 with tyrosine.
Molecular consequence: missense variant. On other transcripts: non-coding transcript variant (1).
Genome position (GRCh38, 1-based): chr9:95,480,434, C>A on the plus strand (G>T on the coding strand, the complement: PTCH1 is on the minus strand). VCF-style: chr9-95480434-C-A. GRCh37 (hg19) VCF-style: chr9-98242716-C-A.
Other names: c.901G>T (NM_000264.3); c.703G>T, p.Asp235Tyr (NM_001083602.3); c.898G>T, p.Asp300Tyr (NM_001083603.3); c.448G>T, p.Asp150Tyr (NM_001083604.3, NM_001083605.3, NM_001083606.3 and 1 more transcripts); c.901G>T, p.Asp301Tyr (NM_001354918.2); short protein forms D235Y, D150Y, D301Y, D300Y.
Identifiers: ClinVar variation 1416862 (VCV001416862.8), dbSNP rs767601899, ClinGen allele CA374113793.